The following is an entry in ClinVar:

NM_015691.5(WWC3):c.3157G>A (p.Asp1053Asn)

Gene: WWC3 (WWC family member 3; plus strand). Cytogenetic location: Xp22.2.
Variant type: single nucleotide variant.
Coding change: c.3157G>A on transcript NM_015691.5; coding-DNA position 3157, G replaced by A.
Protein change: p.Asp1053Asn; replaces aspartic acid 1053 with asparagine.
Molecular consequence: missense variant.
Genome position (GRCh38, 1-based): chrX:10,136,651, G>A. VCF-style: chrX-10136651-G-A. GRCh37 (hg19) VCF-style: chrX-10104691-G-A.
Other names: short protein forms D1053N, D928N.
Identifiers: ClinVar variation 4857194 (VCV004857194.1).

ClinVar aggregate classification (germline): Uncertain significance (1 of 4 stars; one submission).

Conditions:
WWC3-related condition.

Submission:

Undiagnosed Diseases Network, NIH
Classification: Uncertain significance for WWC3-related condition. Last evaluated: 2026-05-14. Review status: criteria provided, single submitter. Criteria: ACMG Guidelines, 2015. Collection method: clinical testing. Allele origin: maternal. Affected: yes. Observed: 2 variant alleles, 2 hemizygotes. Clinical features observed: Repeated pneumothoraces (HP:0006522), Flexion contracture (HP:0001371), Atrial septal defect (HP:0001631), Pes planus (HP:0001763), Hallux valgus (HP:0001822), Aortic root aneurysm (HP:0002616), Scoliosis (HP:0002650), Constipation (HP:0002019), Mild myopia (HP:0025573), Reduced factor X activity (HP:0008321), Dermal translucency (HP:0010648), Pulmonary bleb (HP:0032447), and 18 more. Study: Undiagnosed Diseases Network (NIH), UDN.
Comment: This is a rare X-linked missense variant. It is absent from population databases, including gnomAD v2.1.1, gnomAD v4.1.0, and All of Us V8. The affected region is predicted by MetaDome to be intolerant to variation (Tolerance score (dn/ds): 0.19 (intolerant)), the substituted residue is highly evolutionarily conserved, with a PhyloP100 score of 9.51. In silico predictions suggest a potentially deleterious effect, including a high AlphaMissense score of 0.973 and CADD Phred score of 27.10. At the gene level, gnomAD v4.1 constraint metrics for WWC3 show evidence of strong depletion of predicted loss-of-function variation (pLI = 1) and moderate depletion of missense variation (Z = 1.96). WWC3 encodes a member of the WWC protein family, which has roles in cellular scaffolding and regulation of the Hippo signaling pathway.